The following is an entry in ClinVar:

NM_014915.3(ANKRD26):c.89C>T (p.Pro30Leu)

Genes: ANKRD26 (ankyrin repeat domain 26; minus strand), LOC130003554 (ATAC-STARR-seq lymphoblastoid silent region 2243; plus strand). Cytogenetic location: 10p12.1.
Variant type: single nucleotide variant.
Coding change: c.89C>T on transcript NM_014915.3 (MANE Select); coding-DNA position 89, C replaced by T.
Protein change: p.Pro30Leu; replaces proline 30 with leucine.
Molecular consequence: missense variant.
Genome position (GRCh38, 1-based): chr10:27,100,238, G>A on the plus strand (C>T on the coding strand, the complement: ANKRD26 is on the minus strand). VCF-style: chr10-27100238-G-A. GRCh37 (hg19) VCF-style: chr10-27389167-G-A.
Other names: c.89C>T, p.Pro30Leu (NM_001256053.2); short protein forms P30L.
Identifiers: ClinVar variation 3709641 (VCV003709641.2).

ClinVar aggregate classification (germline): Uncertain significance (1 of 4 stars; one submission).

gnomAD v4.1: 10 of 1,611,986 alleles (0.00062%); highest among the groups gnomAD compares: African/African-American, 0.0053%; no homozygotes.

Submission:

Labcorp Genetics (formerly Invitae), Labcorp
Classification: Uncertain significance. Last evaluated: 2024-12-12. Review status: criteria provided, single submitter. Criteria: Invitae Variant Classification Sherloc (09022015). Collection method: clinical testing. Allele origin: germline.
Comment: This sequence change replaces proline, which is neutral and non-polar, with leucine, which is neutral and non-polar, at codon 30 of the ANKRD26 protein (p.Pro30Leu). This variant is present in population databases (rs780741494, gnomAD 0.002%). This variant has not been reported in the literature in individuals affected with ANKRD26-related conditions. An algorithm developed to predict the effect of missense changes on protein structure and function outputs the following: PolyPhen-2: "Benign". The leucine amino acid residue is found in multiple mammalian species, which suggests that this missense change does not adversely affect protein function. In summary, the available evidence is currently insufficient to determine the role of this variant in disease. Therefore, it has been classified as a Variant of Uncertain Significance.